The following is an entry in ClinVar:

NM_014687.4(RUBCN):c.1925T>G (p.Leu642Arg)

Gene: RUBCN (rubicon autophagy regulator; minus strand). Cytogenetic location: 3q29.
Variant type: single nucleotide variant.
Coding change: c.1925T>G on transcript NM_014687.4 (MANE Select); coding-DNA position 1925, T replaced by G.
Protein change: p.Leu642Arg; replaces leucine 642 with arginine.
Molecular consequence: missense variant.
Genome position (GRCh38, 1-based): chr3:197,683,362, A>C on the plus strand (T>G on the coding strand, the complement: RUBCN is on the minus strand). VCF-style: chr3-197683362-A-C. GRCh37 (hg19) VCF-style: chr3-197410233-A-C.
Other names: c.1790T>G, p.Leu597Arg (NM_001145642.5); c.2042T>G, p.Leu681Arg (NM_001346873.2); short protein forms L597R, L642R, L681R.
Identifiers: ClinVar variation 3257306 (VCV003257306.17).
Genomic context (GRCh38, chr3:197,683,362, plus strand): 5'-CCTACCTTCTGAGGGGCATCATGCTCCGGGACAAGCCACTCCAGCTCCGAGGCGGCTGGA[A>C]GCTGCATCCCCTCAAACTGCTTCAGGAGCCCCATGGCCACCGCCTCAGCAGACGTGGAGT-3'
Protein context (NP_055502.1, residues 632-652): GLLKQFEGMQ[Leu642Arg]PAASELEWLV

ClinVar aggregate classification (germline): Uncertain significance (1 of 4 stars; one submission).

gnomAD v4.1: 6 of 1,614,180 alleles (0.00037%); highest among the groups gnomAD compares: Non-Finnish European, 0.00042%; no homozygotes.

Submission:

CeGaT Center for Human Genetics Tuebingen
Classification: Uncertain significance. Last evaluated: 2024-07-01. Review status: criteria provided, single submitter. Criteria: CeGaT Center For Human Genetics Tuebingen Variant Classification Criteria Version 2. Collection method: clinical testing. Allele origin: germline. Affected: yes. Observed: 1 variant allele.
Comment: RUBCN: PM2